The following is an entry in ClinVar:

ClinVar aggregate classification (germline): Uncertain significance (1 of 4 stars; one submission).

Allele frequency attached by ClinVar (database versions not stated): gnomAD exomes below 0.00001; TOPMed below 0.00001.
gnomAD v4.1: 2 of 1,614,158 alleles (0.00012%); highest among the groups gnomAD compares: Non-Finnish European, 0.00017%; no homozygotes.

Submission:

Labcorp Genetics (formerly Invitae), Labcorp
Classification: Uncertain significance. Last evaluated: 2023-10-07. Review status: criteria provided, single submitter. Criteria: Invitae Variant Classification Sherloc (09022015). Collection method: clinical testing. Allele origin: germline.
Comment: This sequence change replaces isoleucine, which is neutral and non-polar, with threonine, which is neutral and polar, at codon 139 of the ARL3 protein (p.Ile139Thr). This variant is not present in population databases (gnomAD no frequency). This variant has not been reported in the literature in individuals affected with ARL3-related conditions. ClinVar contains an entry for this variant (Variation ID: 1424229). An algorithm developed to predict the effect of missense changes on protein structure and function (PolyPhen-2) suggests that this variant is likely to be disruptive. In summary, the available evidence is currently insufficient to determine the role of this variant in disease. Therefore, it has been classified as a Variant of Uncertain Significance.

NM_004311.4(ARL3):c.416T>C (p.Ile139Thr)

Gene: ARL3 (ARF like GTPase 3; minus strand). Cytogenetic location: 10q24.32.
Variant type: single nucleotide variant.
Coding change: c.416T>C on transcript NM_004311.4 (MANE Select); coding-DNA position 416, T replaced by C.
Protein change: p.Ile139Thr; replaces isoleucine 139 with threonine.
Molecular consequence: missense variant.
Genome position (GRCh38, 1-based): chr10:102,685,901, A>G on the plus strand (T>C on the coding strand, the complement: ARL3 is on the minus strand). VCF-style: chr10-102685901-A-G. GRCh37 (hg19) VCF-style: chr10-104445658-A-G.
Other names: short protein forms I139T.
Identifiers: ClinVar variation 1424229 (VCV001424229.6), dbSNP rs2064181817, ClinGen allele CA377920175.